The following is an entry in ClinVar:

NM_004933.3(CDH15):c.291C>T (p.Ile97=)

Gene: CDH15 (cadherin 15; plus strand). Cytogenetic location: 16q24.3.
Variant type: single nucleotide variant.
Coding change: c.291C>T on transcript NM_004933.3 (MANE Select); coding-DNA position 291, C replaced by T.
Protein change: p.Ile97=; no amino-acid change (isoleucine 97 retained).
Molecular consequence: synonymous variant.
Genome position (GRCh38, 1-based): chr16:89,180,289, C>T. VCF-style: chr16-89180289-C-T. GRCh37 (hg19) VCF-style: chr16-89246697-C-T.
Identifiers: ClinVar variation 1879347 (VCV001879347.29), dbSNP rs745603233, ClinGen allele CA8238766.
Genomic context (GRCh38, chr16:89,180,289, plus strand): 5'-CGTCATCTACAGCATCCAGGGACCCGGCGTGGATGAGGAGCCCCGGGGCGTCTTCTCTAT[C>T]GACAAGTTCACAGGGAAGGTCTTCCTCAATGCCATGCTGGACCGCGAGAAGACTGATCGC-3'
Protein context (NP_004924.1, residues 87-107): VDEEPRGVFS[Ile97=]DKFTGKVFLN

ClinVar aggregate classification (germline): Likely benign (1 of 4 stars; one submission).

Allele frequency attached by ClinVar (database versions not stated): ExAC 0.00006; TOPMed 0.00008; gnomAD 0.00009.

Submission:

CeGaT Center for Human Genetics Tuebingen
Classification: Likely benign. Last evaluated: 2022-12-01. Review status: criteria provided, single submitter. Criteria: CeGaT Center For Human Genetics Tuebingen Variant Classification Criteria Version 2. Collection method: clinical testing. Allele origin: germline. Affected: yes. Observed: 1 variant allele.
Comment: CDH15: BP4, BP7